The following is an entry in ClinVar:

NM_002609.4(PDGFRB):c.3287C>T (p.Ala1096Val)

Gene: PDGFRB (platelet derived growth factor receptor beta; minus strand). Cytogenetic location: 5q32.
Variant type: single nucleotide variant.
Coding change: c.3287C>T on transcript NM_002609.4 (MANE Select); coding-DNA position 3287, C replaced by T.
Protein change: p.Ala1096Val; replaces alanine 1096 with valine.
Molecular consequence: missense variant.
Genome position (GRCh38, 1-based): chr5:150,115,797, G>A on the plus strand (C>T on the coding strand, the complement: PDGFRB is on the minus strand). VCF-style: chr5-150115797-G-A. GRCh37 (hg19) VCF-style: chr5-149495360-G-A.
Other names: p.Ala1096Val; c.3095C>T, p.Ala1032Val (NM_001355016.2); c.2804C>T, p.Ala935Val (NM_001355017.2); short protein forms A1032V, A935V, A1096V.
Identifiers: ClinVar variation 707132 (VCV000707132.26), dbSNP rs114435947, ClinGen allele CA3507359.
Genomic context (GRCh38, chr5:150,115,797, plus strand): 5'-GGCAGGGCAGGGTAGGGGCCAGCCCCCTACAGGAAGCTATCCTCTGCTTCCGCCCGAGGC[G>A]CAGGGCACCCCGAATCCGGCAACTGTTCCAGCTCTGGCTCCGGCTCCACCTGGAGCTCAA-3'
Protein context (NP_002600.1, residues 1086-1106): LEQLPDSGCP[Ala1096Val]PRAEAEDSFL

ClinVar aggregate classification (germline): Benign/Likely benign. Review status: criteria provided, multiple submitters, no conflicts (2 of 4 stars). 13 submissions from 13 submitters: Benign (4); Likely benign (5). 4 of the submissions do not count toward it. Last evaluated 2026-04-01.

Conditions:
PDGFRB-related disorder. Also called: PDGFRB-related condition.
Skeletal overgrowth-craniofacial dysmorphism-hyperelastic skin-white matter lesions syndrome. Also called: SKELETAL OVERGROWTH WITH FACIAL DYSMORPHISM, HYPERELASTIC SKIN, WHITE MATTER LESIONS, AND NEUROLOGIC DETERIORATION; Kosaki overgrowth syndrome. Identifiers: Orphanet 477831, MedGen C4225270, MONDO:0014704, OMIM 616592.
Acroosteolysis-keloid-like lesions-premature aging syndrome. Also called: Premature aging syndrome, Penttinen type; Prematurely aged appearance, delayed bone maturation, acro-osteolysis, and brachydactyly; Progeroid syndrome, Penttinen type. Identifiers: Orphanet 363665, MedGen C1866182, MONDO:0011150, OMIM 601812.
Infantile myofibromatosis (IMF). Also called: Congenital generalized fibromatosis. Identifiers: Orphanet 2591, MedGen C0432284, MONDO:0016824.
Basal ganglia calcification, idiopathic, 4 (PFBC4). Also called: PRIMARY FAMILIAL BRAIN CALCIFICATION 4, AUTOSOMAL DOMINANT; Familial Idiopathic Basal Ganglia Calcification 4. Identifiers: Orphanet 1980, MedGen C3554321, MONDO:0014004, OMIM 615007.
Myofibromatosis, infantile, 1. Also called: Myofibromatosis, juvenile. Identifiers: Orphanet 2591, MedGen C4551572, MONDO:0009227, OMIM 228550.
Inborn genetic diseases. Identifiers: MedGen C0950123, MeSH D030342.

Allele frequency attached by ClinVar (database versions not stated): gnomAD 0.00253 and 0.00259; ExAC 0.00317; 1000 Genomes Project 0.00120; TOPMed 0.00233; 1000 Genomes Project 30x 0.00094; gnomAD exomes 0.00301 and 0.00307; ESP Exome Variant Server 0.00277.
gnomAD v4.1: 4,857 of 1,611,438 alleles (0.3%); highest among the groups gnomAD compares: Non-Finnish European, 0.33%; 6 homozygotes.

Submissions (13):

CeGaT Center for Human Genetics Tuebingen
Classification: Likely benign. Last evaluated: 2026-04-01. Review status: criteria provided, single submitter. Criteria: CeGaT Center For Human Genetics Tuebingen Variant Classification Criteria Version 2. Collection method: clinical testing. Allele origin: germline. Affected: yes. Observed: 2 variant alleles.
Comment: PDGFRB: BP4, BS1

Labcorp Genetics (formerly Invitae), Labcorp
Classification: Benign for Basal ganglia calcification, idiopathic, 4; Skeletal overgrowth-craniofacial dysmorphism-hyperelastic skin-white matter lesions syndrome; Infantile myofibromatosis; Acroosteolysis-keloid-like lesions-premature aging syndrome. Last evaluated: 2026-01-02. Review status: criteria provided, single submitter. Criteria: Invitae Variant Classification Sherloc (09022015). Collection method: clinical testing. Allele origin: germline.

PreventionGenetics, part of Exact Sciences
Classification: Benign for PDGFRB-related condition. Last evaluated: 2025-01-23. Review status: criteria provided, single submitter. Criteria: ACMG Guidelines, 2015. Collection method: clinical testing. Allele origin: germline.
Comment: This variant is classified as benign based on ACMG/AMP sequence variant interpretation guidelines (Richards et al. 2015 PMID: 25741868, with internal and published modifications).

Blueprint Genetics
Classification: Likely benign. Last evaluated: 2024-11-08. Review status: criteria provided, single submitter. Criteria: ACMG Guidelines, 2015. Collection method: clinical testing. Allele origin: germline.

Mayo Clinic Laboratories, Mayo Clinic
Classification: Benign. Last evaluated: 2024-10-23. Review status: criteria provided, single submitter. Criteria: ACMG Guidelines, 2015. Collection method: clinical testing. Allele origin: germline. Observed: 2 variant alleles.
Comment: BS1, BS2, BP4

Ambry Genetics
Classification: Likely benign for Inborn genetic diseases. Last evaluated: 2021-08-12. Review status: criteria provided, single submitter. Criteria: Ambry Variant Classification Scheme 2023. Collection method: clinical testing. Allele origin: germline.

GeneDx
Classification: Benign. Last evaluated: 2021-06-07. Review status: criteria provided, single submitter. Criteria: GeneDx Variant Classification Process June 2021. Collection method: clinical testing. Allele origin: germline. Affected: yes.
Comment: This variant is associated with the following publications: (PMID: 29084058, 26599395, 24796542)

Mendelics
Classification: Likely benign for Myofibromatosis, infantile, 1. Last evaluated: 2019-05-28. Review status: criteria provided, single submitter. Criteria: Mendelics Assertion Criteria 2017. Collection method: clinical testing. Allele origin: unknown.

Breakthrough Genomics
Classification: Likely benign. Review status: criteria provided, single submitter. Criteria: ACMG Guidelines, 2015. Collection method: not provided. Allele origin: germline. Inheritance: Autosomal dominant inheritance. Affected: yes.

Clinical Genetics DNA and cytogenetics Diagnostics Lab, Erasmus MC, Erasmus Medical Center
Classification: Likely benign. Review status: no assertion criteria provided. Collection method: clinical testing. Allele origin: germline. Affected: yes. Study: VKGL Data-share Consensus. Not counted in ClinVar's aggregate classification.

Clinical Genetics, Academic Medical Center
Classification: Likely benign. Review status: no assertion criteria provided. Collection method: clinical testing. Allele origin: germline. Affected: yes. Study: VKGL Data-share Consensus. Not counted in ClinVar's aggregate classification.

Genome Diagnostics Laboratory, Amsterdam University Medical Center
Classification: Likely benign. Review status: no assertion criteria provided. Collection method: clinical testing. Allele origin: germline. Affected: yes. Study: VKGL Data-share Consensus. Not counted in ClinVar's aggregate classification.

Laboratory of Diagnostic Genome Analysis, Leiden University Medical Center (LUMC)
Classification: Likely benign. Review status: no assertion criteria provided. Collection method: clinical testing. Allele origin: germline. Affected: yes. Study: VKGL Data-share Consensus. Not counted in ClinVar's aggregate classification.

Literature cited by the submitters: PubMed 24796542 (cited by Mayo Clinic Laboratories, Mayo Clinic).